The following is an entry in ClinVar:

NM_000277.3(PAH):c.222A>G (p.Lys74=)

Gene: PAH (phenylalanine hydroxylase; minus strand). Cytogenetic location: 12q23.2.
Variant type: single nucleotide variant.
Coding change: c.222A>G on transcript NM_000277.3 (MANE Select); coding-DNA position 222, A replaced by G.
Protein change: p.Lys74=; no amino-acid change (lysine 74 retained).
Molecular consequence: synonymous variant.
Genome position (GRCh38, 1-based): chr12:102,894,865, T>C on the plus strand (A>G on the coding strand, the complement: PAH is on the minus strand). VCF-style: chr12-102894865-T-C. GRCh37 (hg19) VCF-style: chr12-103288643-T-C.
Other names: NM_000277.3(PAH):c.222A>G; p.Lys74=; c.222A>G, p.Lys74= (NM_001354304.2).
Identifiers: ClinVar variation 991624 (VCV000991624.10), dbSNP rs374797155, ClinGen allele CA6748996.

ClinVar aggregate classification (germline): Uncertain significance. Review status: reviewed by expert panel (3 of 4 stars). 3 submissions from 3 submitters: Uncertain significance (1). 2 of the submissions do not count toward it. Last evaluated 2023-07-23.

Conditions:
Phenylketonuria (PKU). Also called: OLIGOPHRENIA PHENYLPYRUVICA; Phenylketonuria (PKU); Phenylketonurias; FOLLING DISEASE. Identifiers: Orphanet 716, MedGen C0031485, MONDO:0009861, OMIM 261600. Disease mechanism: loss of function.

Allele frequency attached by ClinVar (database versions not stated): gnomAD exomes 0.00001 and 0.00002; gnomAD 0.00006 and 0.00007; 1000 Genomes Project 30x 0.00016; 1000 Genomes Project 0.00020; ExAC 0.00003; TOPMed 0.00007; ESP Exome Variant Server 0.00008.
gnomAD v4.1: 33 of 1,614,014 alleles (0.002%); highest among the groups gnomAD compares: African/African-American, 0.033%; no homozygotes.

Submissions (3):

ClinGen PAH Variant Curation Expert Panel
Classification: Uncertain significance for Phenylketonuria. Last evaluated: 2023-07-23. Review status: reviewed by expert panel. Criteria: ClinGen PAH ACMG Specifications v1. Collection method: curation. Allele origin: germline. Inheritance: Autosomal recessive inheritance.
Comment: The NM_000277.3:c.222A>G variant in PAH is a synonymous (silent) variant (p.Lys74=) that is not predicted to impact splicing. To our knowledge, this variant has not been reported in the literature and results of functional studies are unavailable. The highest population minor allele frequency in gnomAD v2.1.1 is 0.0003204 (8/24966 alleles) in the African/African American population (none of the population data codes are met). There is a ClinVar entry for this variant (Variation ID: 991624, 1 star review status) with one submitter classifying the variant as a variant of uncertain significance and one submitter classifying the variant as likely benign. In summary, this variant meets the criteria to be classified as a variant of uncertain significance for PAH deficiency based on the ACMG/AMP criteria applied, as specified by the ClinGen PAH Variant Curation Expert Panel (Specifications Version 2.0): no criteria are met.

Labcorp Genetics (formerly Invitae), Labcorp
Classification: Likely benign for Phenylketonuria. Last evaluated: 2025-10-13. Review status: criteria provided, single submitter. Criteria: Invitae Variant Classification Sherloc (09022015). Collection method: clinical testing. Allele origin: germline. Not counted in ClinVar's aggregate classification.

Natera, Inc.
Classification: Uncertain significance for Phenylketonuria. Last evaluated: 2020-08-13. Review status: no assertion criteria provided. Collection method: clinical testing. Allele origin: germline. Not counted in ClinVar's aggregate classification.